The following is an entry in ClinVar:

NM_031407.7(HUWE1):c.10834G>T (p.Asp3612Tyr)

Gene: HUWE1 (HECT, UBA and WWE domain containing E3 ubiquitin protein ligase 1; minus strand). Cytogenetic location: Xp11.22.
Variant type: single nucleotide variant.
Coding change: c.10834G>T on transcript NM_031407.7 (MANE Select); coding-DNA position 10834, G replaced by T.
Protein change: p.Asp3612Tyr; replaces aspartic acid 3612 with tyrosine.
Molecular consequence: missense variant.
Genome position (GRCh38, 1-based): chrX:53,546,517, C>A on the plus strand (G>T on the coding strand, the complement: HUWE1 is on the minus strand). VCF-style: chrX-53546517-C-A. GRCh37 (hg19) VCF-style: chrX-53573478-C-A.
Other names: short protein forms D3612Y.
Identifiers: ClinVar variation 985533 (VCV000985533.3), dbSNP rs2061546347, ClinGen allele CA413134447.

ClinVar aggregate classification (germline): Uncertain significance (1 of 4 stars; one submission).

Conditions:
Inborn genetic diseases. Identifiers: MedGen C0950123, MeSH D030342.

gnomAD v4.1: 2 of 1,206,348 alleles (0.00017%); highest among the groups gnomAD compares: Non-Finnish European, 0.00022%; no homozygotes.

Submission:

Ambry Genetics
Classification: Uncertain significance for Inborn genetic diseases. Last evaluated: 2018-05-08. Review status: criteria provided, single submitter. Criteria: Ambry Variant Classification Scheme 2023. Collection method: clinical testing. Allele origin: germline.
Comment: The p.D3612Y variant (also known as c.10834G>T), located in coding exon 67 of the HUWE1 gene, results from a G to T substitution at nucleotide position 10834. The aspartic acid at codon 3612 is replaced by tyrosine, an amino acid with highly dissimilar properties. This amino acid position is highly conserved in available vertebrate species. In addition, the in silico prediction for this alteration is inconclusive. Since supporting evidence is limited at this time, the clinical significance of this alteration remains unclear.